The following is an entry in ClinVar:

ClinVar aggregate classification (germline): Uncertain significance (1 of 4 stars; one submission).

Conditions:
Long QT syndrome (LQTS). Identifiers: MedGen C0023976, MeSH D008133, MONDO:0002442. Disease mechanism: loss of function. Inheritance: Various modes of inheritance.

Submission:

Labcorp Genetics (formerly Invitae), Labcorp
Classification: Uncertain significance for Long QT syndrome. Last evaluated: 2022-08-22. Review status: criteria provided, single submitter. Criteria: Invitae Variant Classification Sherloc (09022015). Collection method: clinical testing. Allele origin: germline.
Comment: In summary, the available evidence is currently insufficient to determine the role of this variant in disease. Therefore, it has been classified as a Variant of Uncertain Significance. Algorithms developed to predict the effect of missense changes on protein structure and function (SIFT, PolyPhen-2, Align-GVGD) all suggest that this variant is likely to be tolerated. This variant has not been reported in the literature in individuals affected with CACNA1C-related conditions. This variant is not present in population databases (gnomAD no frequency). This sequence change replaces aspartic acid, which is acidic and polar, with valine, which is neutral and non-polar, at codon 2113 of the CACNA1C protein (p.Asp2113Val).

NM_000719.7(CACNA1C):c.6338A>T (p.Asp2113Val)

Genes: CACNA1C (calcium voltage-gated channel subunit alpha1 C; plus strand), CACNA1C-AS1 (CACNA1C antisense RNA 1; minus strand). Cytogenetic location: 12p13.33.
Variant type: single nucleotide variant.
Coding change: c.6338A>T on transcript NM_000719.7 (MANE Select); coding-DNA position 6338, A replaced by T.
Protein change: p.Asp2113Val; replaces aspartic acid 2113 with valine.
Molecular consequence: missense variant. On other transcripts: non-coding transcript variant (1).
Genome position (GRCh38, 1-based): chr12:2,691,120, A>T. VCF-style: chr12-2691120-A-T. GRCh37 (hg19) VCF-style: chr12-2800286-A-T.
Other names: c.6395A>T, p.Asp2132Val (NM_001129834.2, NM_001129835.2, NM_001129833.2); c.6389A>T, p.Asp2130Val (NM_001129836.2); c.6362A>T, p.Asp2121Val (NM_001129837.2, NM_001129838.2); c.6356A>T, p.Asp2119Val (NM_001129839.2); c.6338A>T, p.Asp2113Val (NM_001129840.2, NM_001129841.2, NM_001129842.2 and 2 more transcripts); c.6329A>T, p.Asp2110Val (NM_001129844.2); c.6305A>T, p.Asp2102Val (NM_001129846.2); c.6443A>T, p.Asp2148Val (NM_001167624.3, NM_001129830.3); and 6 more; short protein forms D2102V, D2133V, D2148V, D2119V, D2141V, D2154V, D2196V, D2130V.
Identifiers: ClinVar variation 2107633 (VCV002107633.4), dbSNP rs972053240, ClinGen allele CA383387430.